The following is an entry in ClinVar:

ClinVar aggregate classification (germline): Benign/Likely benign. Review status: criteria provided, multiple submitters, no conflicts (2 of 4 stars). 6 submissions from 5 submitters: Benign (4); Likely benign (1). 1 of the submissions does not count toward it. Last evaluated 2026-02-02.

Conditions:
Retinitis pigmentosa 37 (RP37). Identifiers: Orphanet 791, MedGen C1970163, MONDO:0012625, OMIM 611131.
Enhanced S-cone syndrome (ESCS). Identifiers: Orphanet 53540, MedGen C1849394, MONDO:0100288, MONDO:0009989.

Allele frequency attached by ClinVar (database versions not stated): ExAC 0.00188; ESP Exome Variant Server 0.00385; TOPMed 0.00403; gnomAD 0.00409; 1000 Genomes Project 0.00599; 1000 Genomes Project 30x 0.00656.
gnomAD v4.1: 1,198 of 1,602,328 alleles (0.075%); highest among the groups gnomAD compares: African/African-American, 1.4%; 6 homozygotes.

Submissions (6):

Labcorp Genetics (formerly Invitae), Labcorp
Classification: Benign. Last evaluated: 2026-02-02. Review status: criteria provided, single submitter. Criteria: Invitae Variant Classification Sherloc (09022015). Collection method: clinical testing. Allele origin: germline.

CeGaT Center for Human Genetics Tuebingen
Classification: Likely benign. Last evaluated: 2024-09-01. Review status: criteria provided, single submitter. Criteria: CeGaT Center For Human Genetics Tuebingen Variant Classification Criteria Version 2. Collection method: clinical testing. Allele origin: germline. Affected: yes. Observed: 1 variant allele.
Comment: NR2E3: BP4, BS1

Illumina Laboratory Services, Illumina
Classification: Benign for ENHANCED S-CONE SYNDROME 1. Last evaluated: 2017-04-28. Review status: criteria provided, single submitter. Criteria: ICSL Variant Classification Criteria 13 December 2019. Collection method: clinical testing. Allele origin: germline.
Comment: This variant was observed as part of a predisposition screen in an ostensibly healthy population. A literature search was performed for the gene, cDNA change, and amino acid change (where applicable). Publications were found based on this search. The evidence from the literature, in combination with allele frequency data from public databases where available, was sufficient to rule this variant out of causing disease. Therefore, this variant is classified as benign.

Illumina Laboratory Services, Illumina
Classification: Benign for Retinitis pigmentosa 37. Last evaluated: 2017-04-28. Review status: criteria provided, single submitter. Criteria: ICSL Variant Classification Criteria 13 December 2019. Collection method: clinical testing. Allele origin: germline.
Comment: the same text as in the submission from Illumina Laboratory Services, Illumina above.

Eurofins Ntd Llc (ga)
Classification: Benign. Last evaluated: 2013-08-02. Review status: criteria provided, single submitter. Criteria: EGL Classification Definitions 2015. Collection method: clinical testing. Allele origin: germline. Observed: 3 variant alleles, 3 heterozygotes.

Counsyl
Classification: Likely benign for Retinitis pigmentosa 37; ENHANCED S-CONE SYNDROME 1. Last evaluated: 2018-03-01. Review status: no assertion criteria provided. Collection method: clinical testing. Allele origin: unknown. Not counted in ClinVar's aggregate classification.

Literature cited by the submitters: PubMed 18294254 (cited by Illumina Laboratory Services, Illumina).

NM_014249.4(NR2E3):c.245+8C>T

Gene: NR2E3 (nuclear receptor subfamily 2 group E member 3; plus strand). Cytogenetic location: 15q23.
Variant type: single nucleotide variant.
Coding change: c.245+8C>T on transcript NM_014249.4 (MANE Select); 8 bases into the intron after coding-DNA position 245, C replaced by T.
Molecular consequence: intron variant.
Genome position (GRCh38, 1-based): chr15:71,811,617, C>T. VCF-style: chr15-71811617-C-T. GRCh37 (hg19) VCF-style: chr15-72103957-C-T.
Other names: c.245+8C>T (NM_016346.4).
Identifiers: ClinVar variation 95580 (VCV000095580.34), dbSNP rs9920371, ClinGen allele CA148634.